The following is an entry in ClinVar:

NM_001393769.1(MED12L):c.1361T>G (p.Val454Gly)

Gene: MED12L (mediator complex subunit 12L; plus strand). Cytogenetic location: 3q25.1.
Variant type: single nucleotide variant.
Coding change: c.1361T>G on transcript NM_001393769.1 (MANE Select); coding-DNA position 1361, T replaced by G.
Protein change: p.Val454Gly; replaces valine 454 with glycine.
Molecular consequence: missense variant.
Genome position (GRCh38, 1-based): chr3:151,165,849, T>G. VCF-style: chr3-151165849-T-G. GRCh37 (hg19) VCF-style: chr3-150883636-T-G.
Other names: c.1361T>G, p.Val454Gly (NM_053002.6); short protein forms V454G.
Identifiers: ClinVar variation 2386859 (VCV002386859.6), dbSNP rs750101653, ClinGen allele CA2666640.
Genomic context (GRCh38, chr3:151,165,849, plus strand): 5'-TGTTATAACTGTGTTATTTTTGGCCTCATTAACCACTTGTTTAATTTCTGCCTATAGGGG[T>G]GACTATTAGTCGGGTTTTGCACACGTTGGAAGTTTTGGATCGTCACTGTTTTGACCGAAC-3'
Protein context (NP_001380698.1, residues 444-464): FDKCQESTAG[Val454Gly]TISRVLHTLE

ClinVar aggregate classification (germline): Likely benign. Review status: criteria provided, multiple submitters, no conflicts (2 of 4 stars). 2 submissions from 2 submitters: Likely benign (2). Last evaluated 2026-03-01.

Conditions:
Inborn genetic diseases. Identifiers: MedGen C0950123, MeSH D030342.

Allele frequency attached by ClinVar (database versions not stated): gnomAD 0.00003; TOPMed 0.00003; ExAC 0.00005; gnomAD exomes 0.00005.
gnomAD v4.1: 79 of 1,613,280 alleles (0.0049%); highest among the groups gnomAD compares: Middle Eastern, 0.049%; no homozygotes.

Submissions (2):

CeGaT Center for Human Genetics Tuebingen
Classification: Likely benign. Last evaluated: 2026-03-01. Review status: criteria provided, single submitter. Criteria: CeGaT Center For Human Genetics Tuebingen Variant Classification Criteria Version 2. Collection method: clinical testing. Allele origin: germline. Affected: yes. Observed: 1 variant allele.
Comment: MED12L: BP4

Ambry Genetics
Classification: Likely benign for Inborn genetic diseases. Last evaluated: 2022-03-23. Review status: criteria provided, single submitter. Criteria: Ambry Variant Classification Scheme 2023. Collection method: clinical testing. Allele origin: germline.